The following is an entry in ClinVar:

NM_024652.6(LRRK1):c.2655C>T (p.Asn885=)

Genes: LRRK1 (leucine rich repeat kinase 1; plus strand), LOC126862255 (CDK7 strongly-dependent group 2 enhancer GRCh37_chr15:101567313-101568512; plus strand). Cytogenetic location: 15q26.3.
Variant type: single nucleotide variant.
Coding change: c.2655C>T on transcript NM_024652.6 (MANE Select); coding-DNA position 2655, C replaced by T.
Protein change: p.Asn885=; no amino-acid change (asparagine 885 retained).
Molecular consequence: synonymous variant.
Genome position (GRCh38, 1-based): chr15:101,027,766, C>T. VCF-style: chr15-101027766-C-T. GRCh37 (hg19) VCF-style: chr15-101567971-C-T.
Other names: c.2655C>T (NM_024652.5).
Identifiers: ClinVar variation 1619623 (VCV001619623.34), dbSNP rs41535348, ClinGen allele CA7761313.

ClinVar aggregate classification (germline): Benign/Likely benign. Review status: criteria provided, multiple submitters, no conflicts (2 of 4 stars). 4 submissions from 4 submitters: Benign (2); Likely benign (1). 1 of the submissions does not count toward it. Last evaluated 2026-02-04.

Conditions:
LRRK1-related disorder. Also called: LRRK1-related condition.

Allele frequency attached by ClinVar (database versions not stated): 1000 Genomes Project 30x 0.00281; 1000 Genomes Project 0.00359; TOPMed 0.00563; gnomAD 0.00678 and 0.00719; ESP Exome Variant Server 0.00722; gnomAD exomes 0.00727 and 0.00868; ExAC 0.01155.
gnomAD v4.1: 13,537 of 1,599,486 alleles (0.85%); highest among the groups gnomAD compares: Non-Finnish European, 0.95%; 70 homozygotes.

Submissions (4):

Labcorp Genetics (formerly Invitae), Labcorp
Classification: Benign. Last evaluated: 2026-02-04. Review status: criteria provided, single submitter. Criteria: Invitae Variant Classification Sherloc (09022015). Collection method: clinical testing. Allele origin: germline.

CeGaT Center for Human Genetics Tuebingen
Classification: Likely benign. Last evaluated: 2026-02-01. Review status: criteria provided, single submitter. Criteria: CeGaT Center For Human Genetics Tuebingen Variant Classification Criteria Version 2. Collection method: clinical testing. Allele origin: germline. Affected: yes. Observed: 3 variant alleles.
Comment: LRRK1: BP4, BP7, BS2

Breakthrough Genomics
Classification: Benign. Review status: criteria provided, single submitter. Criteria: ACMG Guidelines, 2015. Collection method: not provided. Allele origin: germline. Inheritance: Autosomal recessive inheritance. Affected: yes.

PreventionGenetics, part of Exact Sciences
Classification: Benign for LRRK1-related condition. Last evaluated: 2019-03-20. Review status: no assertion criteria provided. Collection method: clinical testing. Allele origin: germline. Not counted in ClinVar's aggregate classification.
Comment: This variant is classified as benign based on ACMG/AMP sequence variant interpretation guidelines (Richards et al. 2015 PMID: 25741868, with internal and published modifications).